The following is an entry in ClinVar:

NM_033163.5(FGF8):c.642C>T (p.Thr214=)

Gene: FGF8 (fibroblast growth factor 8; minus strand). Cytogenetic location: 10q24.32.
Variant type: single nucleotide variant.
Coding change: c.642C>T on transcript NM_033163.5 (MANE Select); coding-DNA position 642, C replaced by T.
Protein change: p.Thr214=; no amino-acid change (threonine 214 retained).
Molecular consequence: synonymous variant.
Genome position (GRCh38, 1-based): chr10:101,770,422, G>A on the plus strand (C>T on the coding strand, the complement: FGF8 is on the minus strand). VCF-style: chr10-101770422-G-A. GRCh37 (hg19) VCF-style: chr10-103530179-G-A.
Other names: c.330C>T, p.Thr110= (NM_001206389.2); c.555C>T, p.Thr185= (NM_006119.6); c.609C>T, p.Thr203= (NM_033164.4); c.522C>T, p.Thr174= (NM_033165.5).
Identifiers: ClinVar variation 516904 (VCV000516904.37), dbSNP rs116363564, ClinGen allele CA5657539.

ClinVar aggregate classification (germline): Benign/Likely benign. Review status: criteria provided, multiple submitters, no conflicts (2 of 4 stars). 6 submissions from 6 submitters: Benign (2); Likely benign (3). 1 of the submissions does not count toward it. Last evaluated 2025-12-19.

Conditions:
FGF8-related disorder. Also called: FGF8-related condition.

Allele frequency attached by ClinVar (database versions not stated): gnomAD exomes 0.00066; ExAC 0.00119; 1000 Genomes Project 0.00200; gnomAD 0.00202 and 0.00222; 1000 Genomes Project 30x 0.00234; TOPMed 0.00261; ESP Exome Variant Server 0.00323.
gnomAD v4.1: 687 of 1,608,486 alleles (0.043%); highest among the groups gnomAD compares: African/African-American, 0.68%; no homozygotes.

Submissions (6):

Labcorp Genetics (formerly Invitae), Labcorp
Classification: Benign. Last evaluated: 2025-12-19. Review status: criteria provided, single submitter. Criteria: Invitae Variant Classification Sherloc (09022015). Collection method: clinical testing. Allele origin: germline.

Blueprint Genetics
Classification: Benign. Last evaluated: 2024-08-30. Review status: criteria provided, single submitter. Criteria: ACMG Guidelines, 2015. Collection method: clinical testing. Allele origin: germline.

CeGaT Center for Human Genetics Tuebingen
Classification: Likely benign. Last evaluated: 2023-11-01. Review status: criteria provided, single submitter. Criteria: CeGaT Center For Human Genetics Tuebingen Variant Classification Criteria Version 2. Collection method: clinical testing. Allele origin: germline. Affected: yes. Observed: 3 variant alleles.
Comment: FGF8: BP4, BP7

GeneDx
Classification: Likely benign. Last evaluated: 2017-03-22. Review status: criteria provided, single submitter. Criteria: GeneDx Variant Classification (06012015). Collection method: clinical testing. Allele origin: germline. Affected: yes.
Comment: This variant is considered likely benign or benign based on one or more of the following criteria: it is a conservative change, it occurs at a poorly conserved position in the protein, it is predicted to be benign by multiple in silico algorithms, and/or has population frequency not consistent with disease.

Breakthrough Genomics
Classification: Likely benign. Review status: criteria provided, single submitter. Criteria: ACMG Guidelines, 2015. Collection method: not provided. Allele origin: germline. Inheritance: Autosomal dominant inheritance. Affected: yes.

PreventionGenetics, part of Exact Sciences
Classification: Benign for FGF8-related condition. Last evaluated: 2023-05-22. Review status: no assertion criteria provided. Collection method: clinical testing. Allele origin: germline. Not counted in ClinVar's aggregate classification.
Comment: This variant is classified as benign based on ACMG/AMP sequence variant interpretation guidelines (Richards et al. 2015 PMID: 25741868, with internal and published modifications).